The following is an entry in ClinVar:

ClinVar aggregate classification (germline): Uncertain significance (1 of 4 stars; one submission).

Conditions:
Hypertrophic cardiomyopathy. Also called: HYPERTROPHIC MYOCARDIOPATHY. Identifiers: Orphanet 217569, MedGen C0007194, MeSH D002312, MONDO:0005045, HP:0001639.

Submission:

Labcorp Genetics (formerly Invitae), Labcorp
Classification: Uncertain significance for Hypertrophic cardiomyopathy. Last evaluated: 2022-12-26. Review status: criteria provided, single submitter. Criteria: Invitae Variant Classification Sherloc (09022015). Collection method: clinical testing. Allele origin: germline.
Comment: This sequence change replaces alanine, which is neutral and non-polar, with leucine, which is neutral and non-polar, at codon 201 of the JPH2 protein (p.Ala201Leu). Information on the frequency of this variant in the gnomAD database is not available, as this variant may be reported differently in the database. This variant has not been reported in the literature in individuals affected with JPH2-related conditions. Algorithms developed to predict the effect of missense changes on protein structure and function are either unavailable or do not agree on the potential impact of this missense change (SIFT: "Not Available"; PolyPhen-2: "Probably Damaging"; Align-GVGD: "Not Available"). In summary, the available evidence is currently insufficient to determine the role of this variant in disease. Therefore, it has been classified as a Variant of Uncertain Significance.

NM_020433.5(JPH2):c.601_602delinsTT (p.Ala201Leu)

Gene: JPH2 (junctophilin 2; minus strand). Cytogenetic location: 20q13.12.
Variant type: Indel.
Coding change: c.601_602delinsTT on transcript NM_020433.5 (MANE Select); coding-DNA positions 601 to 602, GC replaced by TT.
Protein change: p.Ala201Leu; replaces alanine 201 with leucine.
Molecular consequence: missense variant.
Genome position (GRCh38, 1-based): chr20:44,160,185-44,160,186, GC replaced by AA on the plus strand (GC replaced by TT on the coding strand, the reverse complement: JPH2 is on the minus strand). VCF-style: chr20-44160185-GC-AA. GRCh37 (hg19) VCF-style: chr20-42788825-GC-AA.
Other names: short protein forms A201L.
Identifiers: ClinVar variation 2881791 (VCV002881791.3), dbSNP rs2515745046, ClinGen allele CA2739277167.